The following is an entry in ClinVar:

ClinVar aggregate classification (germline): Pathogenic (1 of 4 stars; one submission).

Conditions:
Duchenne muscular dystrophy (DMD). Also called: MUSCULAR DYSTROPHY, PSEUDOHYPERTROPHIC PROGRESSIVE, DUCHENNE TYPE; Duchenne Muscular Dystrophy (DMD). Identifiers: Orphanet 98896, MedGen C0013264, MONDO:0010679, OMIM 310200.

Submission:

Labcorp Genetics (formerly Invitae), Labcorp
Classification: Pathogenic for Duchenne muscular dystrophy. Last evaluated: 2019-10-28. Review status: criteria provided, single submitter. Criteria: Invitae Variant Classification Sherloc (09022015). Collection method: clinical testing. Allele origin: germline.
Comment: This variant is an out-of-frame deletion of the genomic region encompassing exon 50 of the DMD gene. This is expected to create a premature translational stop signal and result in an absent or disrupted protein product. Deletion of exon 50 of the DMD gene has been identified in several patients with DMD-related dystrophinopathies (PMID: 18752307, 25482253, 16566881, 9028449, 15038390). Loss-of-function variants in DMD are known to be pathogenic (PMID: 16770791, 25007885). For these reasons, this variant has been classified as Pathogenic.

Literature cited by the submitters: PubMed 15038390; PubMed 18752307; PubMed 16566881; PubMed 9028449; PubMed 25482253.

NC_000023.11:g.(?_31819965)_(31820093_?)del

Gene: DMD (dystrophin; minus strand). Cytogenetic location: Xp21.1.
Variant type: Deletion.
Identifiers: ClinVar variation 657913 (VCV000657913.2).